The following is an entry in ClinVar:

ClinVar aggregate classification (germline): Uncertain significance (1 of 4 stars; one submission).

Submission:

Labcorp Genetics (formerly Invitae), Labcorp
Classification: Uncertain significance. Last evaluated: 2021-11-11. Review status: criteria provided, single submitter. Criteria: Invitae Variant Classification Sherloc (09022015). Collection method: clinical testing. Allele origin: germline.
Comment: This sequence change replaces methionine, which is neutral and non-polar, with valine, which is neutral and non-polar, at codon 1039 of the POLE protein (p.Met1039Val). This variant is not present in population databases (gnomAD no frequency). This variant has not been reported in the literature in individuals affected with POLE-related conditions. Algorithms developed to predict the effect of missense changes on protein structure and function are either unavailable or do not agree on the potential impact of this missense change (SIFT: "Deleterious"; PolyPhen-2: "Probably Damaging"; Align-GVGD: "Class C15"). In summary, the available evidence is currently insufficient to determine the role of this variant in disease. Therefore, it has been classified as a Variant of Uncertain Significance.

NM_006231.4(POLE):c.3115A>G (p.Met1039Val)

Gene: POLE (DNA polymerase epsilon, catalytic subunit; minus strand). Cytogenetic location: 12q24.33.
Variant type: single nucleotide variant.
Coding change: c.3115A>G on transcript NM_006231.4 (MANE Select); coding-DNA position 3115, A replaced by G.
Protein change: p.Met1039Val; replaces methionine 1039 with valine.
Molecular consequence: missense variant.
Genome position (GRCh38, 1-based): chr12:132,659,455, T>C on the plus strand (A>G on the coding strand, the complement: POLE is on the minus strand). VCF-style: chr12-132659455-T-C. GRCh37 (hg19) VCF-style: chr12-133236041-T-C.
Other names: short protein forms M1039V.
Identifiers: ClinVar variation 1446850 (VCV001446850.6), dbSNP rs2138677941, ClinGen allele CA387391677.